The following is an entry in ClinVar:

ClinVar aggregate classification (germline): Pathogenic (1 of 4 stars; one submission).

Conditions:
Cardiovascular phenotype. Identifiers: MedGen CN230736.
Hereditary cancer-predisposing syndrome. Also called: Neoplastic Syndromes, Hereditary; Tumor predisposition; Hereditary Cancer Syndrome; Hereditary neoplastic syndrome. Identifiers: Orphanet 140162, MedGen C0027672, MeSH D009386, MONDO:0015356.

Submission:

Ambry Genetics
Classification: Pathogenic for Cardiovascular phenotype; Hereditary cancer-predisposing syndrome. Last evaluated: 2026-05-15. Review status: criteria provided, single submitter. Criteria: Ambry Variant Classification Scheme 2023. Collection method: clinical testing. Allele origin: germline.
Comment: The c.7574delA pathogenic mutation, located in coding exon 51 of the NF1 gene, results from a deletion of one nucleotide at nucleotide position 7574, causing a translational frameshift with a predicted alternate stop codon (p.H2525Pfs*2). This variant is considered to be rare based on population cohorts in the Genome Aggregation Database (gnomAD). This alteration is expected to result in loss of function by premature protein truncation or nonsense-mediated mRNA decay. As such, this alteration is interpreted as a disease-causing mutation.

NM_001042492.3(NF1):c.7637del (p.His2546fs)

Gene: NF1 (neurofibromin 1; plus strand). Cytogenetic location: 17q11.2.
Variant type: Deletion.
Coding change: c.7637del on transcript NM_001042492.3 (MANE Select); coding-DNA position 7637, one base deleted (A; older notation c.7637delA).
Protein change: p.His2546fs; shifts the reading frame from histidine 2546.
Molecular consequence: frameshift variant.
Genome position (GRCh38, 1-based): chr17:31,356,481, A deleted. VCF-style (leftmost placement, unchanged base first): chr17-31356480-CA-C. GRCh37 (hg19) VCF-style: chr17-29683498-CA-C.
Other names: c.7574del, p.His2525fs (NM_000267.4); short protein forms H2525fs, H2546fs.
Identifiers: ClinVar variation 4860967 (VCV004860967.1).
Genomic context (GRCh38, chr17:31,356,480, plus strand): 5'-GTAGTTAATGAACTTGCATATTCTTAACTTTTGTTTATAGGAACAAGGAAAAGTTTTGAT[CA>C]CTTGATATCAGACACAAAGGCTCCTAAAAGGCAAGAAATGGAATCAGGGATCACAACACC-3'